The following is an entry in ClinVar:

ClinVar aggregate classification (germline): Uncertain significance (1 of 4 stars; one submission).

Conditions:
Developmental delay, impaired speech, and behavioral abnormalities, with or without seizures (DEDISB). Identifiers: MedGen C5575272, MONDO:0859263, OMIM 619964.

Submission:

Laboratorio de Genetica e Diagnostico Molecular, Hospital Israelita Albert Einstein
Classification: Uncertain significance for Developmental delay, impaired speech, and behavioral abnormalities, with or without seizures. Last evaluated: 2024-01-30. Review status: criteria provided, single submitter. Criteria: ACMG Guidelines, 2015. Collection method: clinical testing. Allele origin: germline. Affected: yes.
Comment: ACMG classification criteria: PM2 supporting, PP2 supporting, BP4 supporting

NM_006421.5(ARFGEF1):c.4651C>T (p.Pro1551Ser)

Gene: ARFGEF1 (ARF guanine nucleotide exchange factor 1; minus strand). Cytogenetic location: 8q13.2.
Variant type: single nucleotide variant.
Coding change: c.4651C>T on transcript NM_006421.5 (MANE Select); coding-DNA position 4651, C replaced by T.
Protein change: p.Pro1551Ser; replaces proline 1551 with serine.
Molecular consequence: missense variant. On other transcripts: non-coding transcript variant (1).
Genome position (GRCh38, 1-based): chr8:67,216,625, G>A on the plus strand (C>T on the coding strand, the complement: ARFGEF1 is on the minus strand). VCF-style: chr8-67216625-G-A. GRCh37 (hg19) VCF-style: chr8-68128860-G-A.
Other names: c.4651C>T, p.Pro1551Ser (NM_001413184.1, NM_001413185.1, NM_001413186.1 and 5 more transcripts); c.4051C>T, p.Pro1351Ser (NM_001413188.1, NM_001413193.1, NM_001413197.1); c.4645C>T, p.Pro1549Ser (NM_001413190.1); c.3226C>T, p.Pro1076Ser (NM_001413196.1); short protein forms P1076S, P1351S, P1549S, P1551S.
Identifiers: ClinVar variation 3901063 (VCV003901063.1).